The following is an entry in ClinVar:

NM_000237.3(LPL):c.856A>G (p.Ser286Gly)

Gene: LPL (lipoprotein lipase; plus strand). Cytogenetic location: 8p21.3.
Variant type: single nucleotide variant.
Coding change: c.856A>G on transcript NM_000237.3 (MANE Select); coding-DNA position 856, A replaced by G.
Protein change: p.Ser286Gly; replaces serine 286 with glycine.
Molecular consequence: missense variant.
Genome position (GRCh38, 1-based): chr8:19,955,921, A>G. VCF-style: chr8-19955921-A-G. GRCh37 (hg19) VCF-style: chr8-19813432-A-G.
Other names: c.856A>G (NM_000237.2); short protein forms S286G.
Identifiers: ClinVar variation 2735131 (VCV002735131.4), dbSNP rs2069980707, ClinGen allele CA370469099.

ClinVar aggregate classification (germline): Likely pathogenic. Review status: criteria provided, multiple submitters, no conflicts (2 of 4 stars). 2 submissions from 2 submitters: Likely pathogenic (2). Last evaluated 2025-12-17.

Conditions:
Hyperlipoproteinemia, type I. Also called: Lipoprotein Lipase Deficiency; HYPERLIPOPROTEINEMIA, TYPE IA; LPL DEFICIENCY; Lipase D deficiency; Familial Lipoprotein Lipase Deficiency; Familial hyperlipo-proteinemia type 1. Identifiers: Orphanet 309015, Orphanet 444490, MedGen C0023817, MONDO:0009387, OMIM 238600. Disease mechanism: loss of function.

gnomAD v4.1: 1 of 1,614,190 alleles (0.000062%); highest among the groups gnomAD compares: South Asian, 0.0011%; no homozygotes.

Submissions (2):

Natera, Inc.
Classification: Likely pathogenic for Lipoprotein lipase deficiency. Last evaluated: 2025-12-17. Review status: criteria provided, single submitter. Criteria: Natera Variant Classification Schema (03/2026). Collection method: clinical testing. Allele origin: germline.
Comment: The c.856A>G variant in LPL is a missense variant predicted to cause substitution of serine to glycine at amino acid 286. This variant is rare in the general population with a frequency below the threshold expected for the associated phenotype(s). This variant has been observed in one or more individuals affected with the associated recessive disease, as either homozygous or compound heterozygous with a second variant (PMID: 10660334, 35669187). A different variant at the same position has been determined to be Pathogenic or Likely Pathogenic. Computational prediction algorithms indicate this variant is likely to affect gene or protein function. Given the available evidence, this variant is classified as Likely Pathogenic.

Labcorp Genetics (formerly Invitae), Labcorp
Classification: Likely pathogenic. Last evaluated: 2023-03-15. Review status: criteria provided, single submitter. Criteria: Invitae Variant Classification Sherloc (09022015). Collection method: clinical testing. Allele origin: germline.
Comment: Algorithms developed to predict the effect of sequence changes on RNA splicing suggest that this variant may disrupt the consensus splice site. This sequence change replaces serine, which is neutral and polar, with glycine, which is neutral and non-polar, at codon 286 of the LPL protein (p.Ser286Gly). This variant is not present in population databases (gnomAD no frequency). This missense change has been observed in individual(s) with chylomicronemia (PMID: 10660334). In at least one individual the data is consistent with being in trans (on the opposite chromosome) from a pathogenic variant. This variant is also known as p.S259G. Advanced modeling of protein sequence and biophysical properties (such as structural, functional, and spatial information, amino acid conservation, physicochemical variation, residue mobility, and thermodynamic stability) performed at Invitae indicates that this missense variant is not expected to disrupt LPL protein function. This variant disrupts the p.Ser286 amino acid residue in LPL. Other variant(s) that disrupt this residue have been observed in individuals with LPL-related conditions (PMID: 9298816), which suggests that this may be a clinically significant amino acid residue. In summary, the currently available evidence indicates that the variant is pathogenic, but additional data are needed to prove that conclusively. Therefore, this variant has been classified as Likely Pathogenic.

Literature cited by the submitters: PubMed 10660334 (cited by Natera, Inc. and Labcorp Genetics (formerly Invitae), Labcorp); PubMed 35669187 (cited by Natera, Inc.); PubMed 9298816 (cited by Labcorp Genetics (formerly Invitae), Labcorp).